The following is an entry in ClinVar:

ClinVar aggregate classification (germline): Likely benign (0 of 4 stars; one submission).

Conditions:
MYCBP2-related disorder. Also called: MYCBP2-related condition.

Allele frequency attached by ClinVar (database versions not stated): gnomAD 0.00023; TOPMed 0.00023; ESP Exome Variant Server 0.00031; gnomAD exomes 0.00040; ExAC 0.00045.
gnomAD v4.1: 627 of 1,608,732 alleles (0.039%); highest among the groups gnomAD compares: Middle Eastern, 0.099%; 1 homozygote.

Submission:

PreventionGenetics, part of Exact Sciences
Classification: Likely benign for MYCBP2-related condition. Last evaluated: 2019-02-28. Review status: no assertion criteria provided. Collection method: clinical testing. Allele origin: germline.
Comment: This variant is classified as likely benign based on ACMG/AMP sequence variant interpretation guidelines (Richards et al. 2015 PMID: 25741868, with internal and published modifications).

NM_015057.5(MYCBP2):c.13011A>G (p.Ala4337=)

Gene: MYCBP2 (MYC binding protein 2; minus strand). Cytogenetic location: 13q22.3.
Variant type: single nucleotide variant.
Coding change: c.13011A>G on transcript NM_015057.5 (MANE Select); coding-DNA position 13011, A replaced by G.
Protein change: p.Ala4337=; no amino-acid change (alanine 4337 retained).
Molecular consequence: synonymous variant.
Genome position (GRCh38, 1-based): chr13:77,061,194, T>C on the plus strand (A>G on the coding strand, the complement: MYCBP2 is on the minus strand). VCF-style: chr13-77061194-T-C. GRCh37 (hg19) VCF-style: chr13-77635329-T-C.
Identifiers: ClinVar variation 3055363 (VCV003055363.2), dbSNP rs146032966, ClinGen allele CA7007768.